The following is an entry in ClinVar:

ClinVar aggregate classification (germline): Uncertain significance (1 of 4 stars; one submission).

Submission:

GeneDx
Classification: Uncertain significance. Last evaluated: 2022-05-26. Review status: criteria provided, single submitter. Criteria: GeneDx Variant Classification Process June 2021. Collection method: clinical testing. Allele origin: germline. Affected: yes.
Comment: Not observed at significant frequency in large population cohorts (gnomAD); In silico analysis supports that this missense variant has a deleterious effect on protein structure/function; Has not been previously published as pathogenic or benign to our knowledge

NM_005045.4(RELN):c.1025G>T (p.Cys342Phe)

Gene: RELN (reelin; minus strand). Cytogenetic location: 7q22.1.
Variant type: single nucleotide variant.
Coding change: c.1025G>T on transcript NM_005045.4 (MANE Select); coding-DNA position 1025, G replaced by T.
Protein change: p.Cys342Phe; replaces cysteine 342 with phenylalanine.
Molecular consequence: missense variant.
Genome position (GRCh38, 1-based): chr7:103,697,971, C>A on the plus strand (G>T on the coding strand, the complement: RELN is on the minus strand). VCF-style: chr7-103697971-C-A. GRCh37 (hg19) VCF-style: chr7-103338418-C-A.
Other names: c.1025G>T, p.Cys342Phe (NM_173054.3); short protein forms C342F.
Identifiers: ClinVar variation 1800827 (VCV001800827.1), dbSNP rs2115780593, ClinGen allele CA368927657.